The following is an entry in ClinVar:

NM_006734.4(HIVEP2):c.7180A>T (p.Lys2394Ter)

Gene: HIVEP2 (HIVEP zinc finger 2; minus strand). Cytogenetic location: 6q24.2.
Variant type: single nucleotide variant.
Coding change: c.7180A>T on transcript NM_006734.4 (MANE Select); coding-DNA position 7180, A replaced by T.
Protein change: p.Lys2394Ter; replaces lysine 2394 with a stop codon.
Molecular consequence: nonsense.
Genome position (GRCh38, 1-based): chr6:142,753,268, T>A on the plus strand (A>T on the coding strand, the complement: HIVEP2 is on the minus strand). VCF-style: chr6-142753268-T-A. GRCh37 (hg19) VCF-style: chr6-143074405-T-A.
Other names: c.7180A>T, p.Lys2394Ter (NM_001438449.1, NM_001438450.1, NM_001438451.1); short protein forms K2394*.
Identifiers: ClinVar variation 4813508 (VCV004813508.1).

ClinVar aggregate classification (germline): Likely pathogenic (1 of 4 stars; one submission).

Conditions:
Intellectual developmental disorder, autosomal dominant 43. Also called: Intellectual disability, autosomal dominant 43. Identifiers: MedGen C4707429, MONDO:0014858, OMIM 616977.

Submission:

Department of Pediatrics, Division of Medical Genetics, Faculty of Medicine Ramathibodi Hospital, Mahidol University
Classification: Likely pathogenic for Intellectual developmental disorder, autosomal dominant 43. Last evaluated: 2026-03-04. Review status: criteria provided, single submitter. Criteria: ACMG Guidelines, 2015. Collection method: research. Allele origin: maternal. Inheritance: Autosomal dominant inheritance. Affected: yes. Observed: 1 variant allele, 1 heterozygote.
Comment: A heterozygous c.7180A>T variant in the HIVEP2 gene was identified. In silico prediction tools indicate that this variant may affect protein function. This variant has not been reported in population-based cohorts, including the Genome Aggregation Database (gnomAD).